The following is an entry in ClinVar:

NM_001042492.3(NF1):c.311_312del (p.Arg103_Leu104insTer)

Gene: NF1 (neurofibromin 1; plus strand). Cytogenetic location: 17q11.2.
Variant type: Deletion.
Coding change: c.311_312del on transcript NM_001042492.3 (MANE Select); coding-DNA positions 311 to 312, 2 bases deleted (TA; older notation c.311_312delTA).
Protein change: p.Arg103_Leu104insTer.
Molecular consequence: nonsense. On other transcripts: frameshift variant (1).
Genome position (GRCh38, 1-based): chr17:31,163,208-31,163,209, TA deleted. VCF-style (leftmost placement, unchanged base first): chr17-31163207-TTA-T. GRCh37 (hg19) VCF-style: chr17-29490225-TTA-T.
Other names: c.311_312delTA (NM_000267.3); c.311_312delTA, p.Leu104Terfs (NM_000267.4); c.311_312del, p.Arg103_Leu104insTer (NM_001128147.3).
Identifiers: ClinVar variation 527507 (VCV000527507.5), dbSNP rs1555606053, ClinGen allele CA658798755.
Genomic context (GRCh38, chr17:31,163,207, plus strand): 5'-AAATTAAAGTTTAGAATAATGTGATTATTTCTATTTTAGCAACCAAAGGACACAATGAGA[TTA>T]GATGAAACGATGCTGGTCAAACAGTTGCTGCCAGAAATCTGCCATTTTCTTCACACCTGT-3'

ClinVar aggregate classification (germline): Pathogenic (1 of 4 stars; one submission).

Conditions:
Neurofibromatosis, type 1 (NF1). Also called: VON RECKLINGHAUSEN DISEASE; NEUROFIBROMATOSIS, TYPE I, SOMATIC; Peripheral type neurofibromatosis; Neurofibromatosis, type I. Identifiers: Orphanet 636, MedGen C0027831, MONDO:0018975, OMIM 162200. Disease mechanism: loss of function.

Submission:

Labcorp Genetics (formerly Invitae), Labcorp
Classification: Pathogenic for Neurofibromatosis, type 1. Last evaluated: 2017-08-02. Review status: criteria provided, single submitter. Criteria: Invitae Variant Classification Sherloc (09022015). Collection method: clinical testing. Allele origin: germline.
Comment: This variant is not present in population databases (ExAC no frequency). For these reasons, this variant has been classified as Pathogenic. Loss-of-function variants in NF1 are known to be pathogenic (PMID: 10712197, 23913538). Two different variants (c.311T>A, c.311T>G) giving rise to the same protein effect observed here (p.Leu104*) have been reported in individuals affected with neurofibromatosis type 1 (PMID: 15060124, 16944272, 27838393). This variant has not been reported in the literature in individuals with NF1-related disease. This sequence change creates a premature translational stop signal (p.Leu104*) in the NF1 gene. It is expected to result in an absent or disrupted protein product.

Literature cited by the submitters: PubMed 10712197; PubMed 23913538; PubMed 15060124; PubMed 16944272; PubMed 27838393.